The following is an entry in ClinVar:

ClinVar aggregate classification (germline): Uncertain significance (1 of 4 stars; one submission).

Submission:

CeGaT Center for Human Genetics Tuebingen
Classification: Uncertain significance. Last evaluated: 2026-06-01. Review status: criteria provided, single submitter. Criteria: CeGaT Center For Human Genetics Tuebingen Variant Classification Criteria Version 2. Collection method: clinical testing. Allele origin: germline. Affected: yes. Observed: 1 variant allele.
Comment: FOXI3: PM2, PP3

NM_001135649.3(FOXI3):c.634G>C (p.Asp212His)

Gene: FOXI3 (forkhead box I3; minus strand). Cytogenetic location: 2p11.2.
Variant type: single nucleotide variant.
Coding change: c.634G>C on transcript NM_001135649.3 (MANE Select); coding-DNA position 634, G replaced by C.
Protein change: p.Asp212His; replaces aspartic acid 212 with histidine.
Molecular consequence: missense variant.
Genome position (GRCh38, 1-based): chr2:88,451,902, C>G on the plus strand (G>C on the coding strand, the complement: FOXI3 is on the minus strand). VCF-style: chr2-88451902-C-G. GRCh37 (hg19) VCF-style: chr2-88751421-C-G.
Other names: short protein forms D212H.
Identifiers: ClinVar variation 4873747 (VCV004873747.2).